The following is an entry in ClinVar:

ClinVar aggregate classification (germline): Uncertain significance. Review status: criteria provided, multiple submitters, no conflicts (2 of 4 stars). 6 submissions from 6 submitters: Uncertain significance (6). Last evaluated 2025-08-31.

Conditions:
Hereditary cancer-predisposing syndrome. Also called: Tumor predisposition; Hereditary Cancer Syndrome; Hereditary neoplastic syndrome; Neoplastic Syndromes, Hereditary. Identifiers: Orphanet 140162, MedGen C0027672, MeSH D009386, MONDO:0015356.
Classic or attenuated familial adenomatous polyposis. Identifiers: MedGen CN372698, MONDO:0021057.
Familial adenomatous polyposis 1 (FAP1). Also called: FAMILIAL ADENOMATOUS POLYPOSIS 1, ATTENUATED; POLYPOSIS, ADENOMATOUS INTESTINAL. Identifiers: MedGen C2713442, MONDO:0021056, OMIM 175100. Disease mechanism: loss of function.

Allele frequency attached by ClinVar (database versions not stated): gnomAD exomes below 0.00001 and 0.00001.
gnomAD v4.1: 14 of 1,614,112 alleles (0.00087%); highest among the groups gnomAD compares: Non-Finnish European, 0.0012%; no homozygotes.

Submissions (6):

Labcorp Genetics (formerly Invitae), Labcorp
Classification: Uncertain significance for Familial adenomatous polyposis 1. Last evaluated: 2025-08-31. Review status: criteria provided, single submitter. Criteria: Invitae Variant Classification Sherloc (09022015). Collection method: clinical testing. Allele origin: germline.
Comment: This sequence change replaces glutamic acid, which is acidic and polar, with glycine, which is neutral and non-polar, at codon 2433 of the APC protein (p.Glu2433Gly). This variant is present in population databases (rs730881262, gnomAD 0.0009%). This variant has not been reported in the literature in individuals affected with APC-related conditions. ClinVar contains an entry for this variant (Variation ID: 181821). Invitae Evidence Modeling of protein sequence and biophysical properties (such as structural, functional, and spatial information, amino acid conservation, physicochemical variation, residue mobility, and thermodynamic stability) indicates that this missense variant is not expected to disrupt APC protein function with a negative predictive value of 95%. In summary, the available evidence is currently insufficient to determine the role of this variant in disease. Therefore, it has been classified as a Variant of Uncertain Significance.

Ambry Genetics
Classification: Uncertain significance for Hereditary cancer-predisposing syndrome. Last evaluated: 2025-08-29. Review status: criteria provided, single submitter. Criteria: Ambry Variant Classification Scheme 2023. Collection method: clinical testing. Allele origin: germline.
Comment: The p.E2433G variant (also known as c.7298A>G), located in coding exon 15 of the APC gene, results from an A to G substitution at nucleotide position 7298. The glutamic acid at codon 2433 is replaced by glycine, an amino acid with similar properties. This amino acid position is highly conserved in available vertebrate species. In addition, in silico predictors for this gene do not accurately predict pathogenicity. Missense alterations in APC are not a common cause of disease (Spier I et al. Genet Med. 2024 Feb;26(2):100992). Based on the available evidence, the clinical significance of this variant remains unclear.

Color Diagnostics, LLC DBA Color Health
Classification: Uncertain significance for Hereditary cancer-predisposing syndrome. Last evaluated: 2025-06-23. Review status: criteria provided, single submitter. Criteria: ACMG Guidelines, 2015. Collection method: clinical testing. Allele origin: germline.
Comment: This missense variant replaces glutamic acid with glycine at codon 2433 of the APC protein. Computational prediction suggests that this variant may not impact protein structure and function. To our knowledge, functional studies have not been reported for this variant. This variant has not been reported in individuals affected with APC-related disorders in the literature. This variant has been identified in 1/250628 chromosomes in the general population by the Genome Aggregation Database (gnomAD). The available evidence is insufficient to determine the role of this variant in disease conclusively. Therefore, this variant is classified as a Variant of Uncertain Significance.

All of Us Research Program, National Institutes of Health
Classification: Uncertain significance for Classic or attenuated familial adenomatous polyposis. Last evaluated: 2023-12-01. Review status: criteria provided, single submitter. Criteria: ACMG Guidelines, 2015. Collection method: clinical testing. Allele origin: germline. Inheritance: Autosomal dominant inheritance. Observed: 1 variant allele, 1 heterozygote.
Comment: This study involves interpretation of variants in research participants for the purpose of population health screening. Participant phenotype was not available at the time of variant classification. Additional details can be found in publication PMID: 35346344, PMCID: PMC8962531

Baylor Genetics
Classification: Uncertain significance for Familial adenomatous polyposis 1. Last evaluated: 2023-12-01. Review status: criteria provided, single submitter. Criteria: ACMG Guidelines, 2015. Collection method: clinical testing. Allele origin: unknown.

GeneDx
Classification: Uncertain significance. Last evaluated: 2016-01-18. Review status: criteria provided, single submitter. Criteria: GeneDx Variant Classification (06012015). Collection method: clinical testing. Allele origin: germline. Affected: yes.
Comment: This variant is denoted APC c.7298A>G at the cDNA level, p.Glu2433Gly (E2433G) at the protein level, and results in the change of a Glutamic Acid to a Glycine (GAA>GGA). This variant has not, to our knowledge, been published in the literature as pathogenic or benign. APC Glu2433Gly was not observed in approximately 6,500 individuals of European and African American ancestry in the NHLBI Exome Sequencing Project, suggesting it is not a common benign variant in these populations. Since Glutamic Acid and Glycine differ in polarity, charge, size or other properties, this is considered a non-conservative amino acid substitution. APC Glu2433Gly occurs at a position that is conserved across species and is not located in a known functional domain (Azzopardi 2008, UniProt). In silico analyses are inconsistent regarding the effect this variant may have on protein structure and function. Based on currently available information, it is unclear whether APC Glu2433Gly is pathogenic or benign. We consider it to be a variant of uncertain significance.

NM_000038.6(APC):c.7298A>G (p.Glu2433Gly)

Gene: APC (APC regulator of Wnt signaling pathway; plus strand). Cytogenetic location: 5q22.2.
Variant type: single nucleotide variant.
Coding change: c.7298A>G on transcript NM_000038.6 (MANE Select); coding-DNA position 7298, A replaced by G.
Protein change: p.Glu2433Gly; replaces glutamic acid 2433 with glycine.
Molecular consequence: missense variant.
Genome position (GRCh38, 1-based): chr5:112,842,892, A>G. VCF-style: chr5-112842892-A-G. GRCh37 (hg19) VCF-style: chr5-112178589-A-G.
Other names: p.E2433G:GAA>GGA; c.7298A>G, p.Glu2433Gly (NM_001127510.3, NM_001354895.2); c.7244A>G, p.Glu2415Gly (NM_001127511.3); c.7352A>G, p.Glu2451Gly (NM_001354896.2); c.7328A>G, p.Glu2443Gly (NM_001354897.2); c.7223A>G, p.Glu2408Gly (NM_001354898.2); c.7214A>G, p.Glu2405Gly (NM_001354899.2); c.7175A>G, p.Glu2392Gly (NM_001354900.2); and 6 more; short protein forms E2415G, E2433G, E2408G, E2443G, E2451G, E2307G, E2342G, E2405G.
Identifiers: ClinVar variation 181821 (VCV000181821.26), dbSNP rs730881262, ClinGen allele CA013246.